The following is an entry in ClinVar:

ClinVar aggregate classification (germline): Likely benign (1 of 4 stars; one submission).

Allele frequency attached by ClinVar (database versions not stated): 1000 Genomes Project 0.00579; gnomAD 0.00639 and 0.00696; 1000 Genomes Project 30x 0.00671; TOPMed 0.00757.
gnomAD v4.1: 962 of 151,498 alleles (0.63%); highest among the groups gnomAD compares: African/African-American, 2.1%; 13 homozygotes.

Submission:

GeneDx
Classification: Likely benign. Last evaluated: 2018-06-14. Review status: criteria provided, single submitter. Criteria: GeneDx Variant Classification (06012015). Collection method: clinical testing. Allele origin: germline. Affected: yes.
Comment: This variant is considered likely benign or benign based on one or more of the following criteria: it is a conservative change, it occurs at a poorly conserved position in the protein, it is predicted to be benign by multiple in silico algorithms, and/or has population frequency not consistent with disease.

NM_018109.4(MTPAP):c.330+303G>A

Gene: MTPAP (mitochondrial poly(A) polymerase; minus strand). Cytogenetic location: 10p11.23.
Variant type: single nucleotide variant.
Coding change: c.330+303G>A on transcript NM_018109.4 (MANE Select); 303 bases into the intron after coding-DNA position 330, G replaced by A.
Molecular consequence: intron variant.
Genome position (GRCh38, 1-based): chr10:30,341,165, C>T on the plus strand (G>A on the coding strand, the complement: MTPAP is on the minus strand). VCF-style: chr10-30341165-C-T. GRCh37 (hg19) VCF-style: chr10-30630094-C-T.
Identifiers: ClinVar variation 673193 (VCV000673193.1), dbSNP rs138641626, ClinGen allele CA205284831.
Genomic context (GRCh38, chr10:30,341,165, plus strand): 5'-CTACTCCAGAGGCAGAAGGATCACCCGAGCCTAGGAGTCGAGGCTGTAGTGCAATATGAT[C>T]GTACCTGCCAACAGCCACTGCACTCCAGCATAGGCCACATAGTTGGACCCCGTCTCTTAA-3'